The following is an entry in ClinVar:

ClinVar aggregate classification (germline): Uncertain significance. Review status: criteria provided, multiple submitters, no conflicts (2 of 4 stars). 3 submissions from 3 submitters: Uncertain significance (3). Last evaluated 2024-12-09.

Conditions:
Distal myopathy with posterior leg and anterior hand involvement. Also called: WILLIAMS DISTAL MYOPATHY. Identifiers: Orphanet 63273, MedGen C3279722, MONDO:0013550, OMIM 614065.
Hypertrophic cardiomyopathy 26. Also called: Cardiomyopathy, familial hypertrophic, 26. Identifiers: Orphanet 75249, MedGen C4310749, MONDO:0014883, OMIM 617047.
Dilated Cardiomyopathy, Dominant.
Myofibrillar myopathy 5. Also called: Filaminopathy (type); FILAMINOPATHY, AUTOSOMAL DOMINANT. Identifiers: Orphanet 171445, MedGen C1836050, MONDO:0012289, OMIM 609524.
Cardiovascular phenotype. Identifiers: MedGen CN230736.

Allele frequency attached by ClinVar (database versions not stated): gnomAD exomes below 0.00001 and 0.00001.
gnomAD v4.1: 7 of 1,613,108 alleles (0.00043%); highest among the groups gnomAD compares: Non-Finnish European, 0.00059%; no homozygotes.

Submissions (3):

Ambry Genetics
Classification: Uncertain significance for Cardiovascular phenotype. Last evaluated: 2024-12-09. Review status: criteria provided, single submitter. Criteria: Ambry Variant Classification Scheme 2023. Collection method: clinical testing. Allele origin: germline.
Comment: The p.M444I variant (also known as c.1332G>A), located in coding exon 8 of the FLNC gene, results from a G to A substitution at nucleotide position 1332. The methionine at codon 444 is replaced by isoleucine, an amino acid with highly similar properties. This amino acid position is conserved. In addition, this alteration is predicted to be tolerated by in silico analysis. Based on the available evidence, the clinical significance of this variant remains unclear.

Labcorp Genetics (formerly Invitae), Labcorp
Classification: Uncertain significance for Distal myopathy with posterior leg and anterior hand involvement; Myofibrillar myopathy 5; Hypertrophic cardiomyopathy 26. Last evaluated: 2021-09-01. Review status: criteria provided, single submitter. Criteria: Invitae Variant Classification Sherloc (09022015). Collection method: clinical testing. Allele origin: germline.

Blueprint Genetics
Classification: Uncertain significance. Last evaluated: 2021-06-22. Review status: criteria provided, single submitter. Criteria: ACMG Guidelines, 2015. Collection method: clinical testing. Allele origin: germline.

NM_001458.5(FLNC):c.1332G>A (p.Met444Ile)

Gene: FLNC (filamin C; plus strand). Cytogenetic location: 7q32.1.
Variant type: single nucleotide variant.
Coding change: c.1332G>A on transcript NM_001458.5 (MANE Select); coding-DNA position 1332, G replaced by A.
Protein change: p.Met444Ile; replaces methionine 444 with isoleucine.
Molecular consequence: missense variant.
Genome position (GRCh38, 1-based): chr7:128,838,724, G>A. VCF-style: chr7-128838724-G-A. GRCh37 (hg19) VCF-style: chr7-128478778-G-A.
Other names: c.1332G>A (NM_001458.4); c.1332G>A, p.Met444Ile (NM_001127487.2); short protein forms M444I.
Identifiers: ClinVar variation 1046069 (VCV001046069.6), dbSNP rs1343786191, ClinGen allele CA369224873.